The following is an entry in ClinVar:

ClinVar aggregate classification (germline): Benign/Likely benign. Review status: criteria provided, multiple submitters, no conflicts (2 of 4 stars). 4 submissions from 4 submitters: Benign (1); Likely benign (3). Last evaluated 2025-11-20.

Conditions:
Hereditary cancer-predisposing syndrome. Also called: Hereditary Cancer Syndrome; Neoplastic Syndromes, Hereditary; Tumor predisposition; Hereditary neoplastic syndrome. Identifiers: Orphanet 140162, MedGen C0027672, MeSH D009386, MONDO:0015356.
Familial cancer of breast. Also called: BREAST CANCER, FAMILIAL; Hereditary breast cancer; hereditary breast carcinoma. Identifiers: Orphanet 227535, MedGen C0346153, MONDO:0016419, OMIM 114480. Disease mechanism: loss of function.
Ataxia-telangiectasia syndrome (AT). Also called: Ataxia-telangiectasia, complementation group D; AT, COMPLEMENTATION GROUP C; ATAXIA-TELANGIECTASIA, COMPLEMENTATION GROUP A; ATAXIA-TELANGIECTASIA, FRESNO VARIANT; Ataxia-telangiectasia; LOUIS-BAR SYNDROME. Identifiers: Orphanet 100, MedGen C0004135, MONDO:0008840, OMIM 208900.

Submissions (4):

Labcorp Genetics (formerly Invitae), Labcorp
Classification: Likely benign for Ataxia-telangiectasia syndrome. Last evaluated: 2025-11-20. Review status: criteria provided, single submitter. Criteria: Invitae Variant Classification Sherloc (09022015). Collection method: clinical testing. Allele origin: germline.

Myriad Genetics, Inc.
Classification: Benign for Familial cancer of breast. Last evaluated: 2024-05-22. Review status: criteria provided, single submitter. Criteria: Myriad Autosomal Dominant, Autosomal Recessive and X-Linked Classification Criteria (2023). Collection method: clinical testing. Allele origin: unknown.
Comment: This variant is considered benign. This variant is a silent/synonymous amino acid change and it is not expected to impact splicing.

KCCC/NGS Laboratory, Kuwait Cancer Control Center
Classification: Likely benign for Familial cancer of breast. Last evaluated: 2023-07-07. Review status: criteria provided, single submitter. Criteria: ACMG Guidelines, 2015. Collection method: clinical testing. Allele origin: germline. Affected: yes.

Ambry Genetics
Classification: Likely benign for Hereditary cancer-predisposing syndrome. Last evaluated: 2014-12-01. Review status: criteria provided, single submitter. Criteria: Ambry Variant Classification Scheme 2023. Collection method: clinical testing. Allele origin: germline.

NM_000051.4(ATM):c.5088T>C (p.Tyr1696=)

Gene: ATM (ATM serine/threonine kinase; plus strand). Cytogenetic location: 11q22.3.
Variant type: single nucleotide variant.
Coding change: c.5088T>C on transcript NM_000051.4 (MANE Select); coding-DNA position 5088, T replaced by C.
Protein change: p.Tyr1696=; no amino-acid change (tyrosine 1696 retained).
Molecular consequence: synonymous variant.
Genome position (GRCh38, 1-based): chr11:108,299,796, T>C. VCF-style: chr11-108299796-T-C. GRCh37 (hg19) VCF-style: chr11-108170523-T-C.
Other names: c.5088T>C, p.Tyr1696= (NM_001351834.2).
Identifiers: ClinVar variation 187106 (VCV000187106.15), dbSNP rs786203476, ClinGen allele CA196753.